The following is an entry in ClinVar:

ClinVar aggregate classification (germline): Uncertain significance (1 of 4 stars; one submission).

Conditions:
Familial thoracic aortic aneurysm and aortic dissection (TAAD). Also called: Thoracic aortic aneurysms and dissections. Identifiers: Orphanet 91387, MedGen C4707243, MONDO:0019625.

Submission:

Ambry Genetics
Classification: Uncertain significance for Familial thoracic aortic aneurysm and aortic dissection. Last evaluated: 2025-03-28. Review status: criteria provided, single submitter. Criteria: Ambry Variant Classification Scheme 2023. Collection method: clinical testing. Allele origin: germline.
Comment: The c.5025C>A variant (also known as p.I1675I), located in coding exon 27 of the NOTCH1 gene, results from a C to A substitution at nucleotide position 5025. This nucleotide substitution does not change the amino acid at codon 1675. This nucleotide position is poorly conserved in available vertebrate species. In silico splice site analysis for this alteration is inconclusive. Based on the available evidence, the clinical significance of this variant remains unclear.

NM_017617.5(NOTCH1):c.5025C>A (p.Ile1675=)

Gene: NOTCH1 (notch receptor 1; minus strand). Cytogenetic location: 9q34.3.
Variant type: single nucleotide variant.
Coding change: c.5025C>A on transcript NM_017617.5 (MANE Select); coding-DNA position 5025, C replaced by A.
Protein change: p.Ile1675=; no amino-acid change (isoleucine 1675 retained).
Molecular consequence: synonymous variant.
Genome position (GRCh38, 1-based): chr9:136,503,324, G>T on the plus strand (C>A on the coding strand, the complement: NOTCH1 is on the minus strand). VCF-style: chr9-136503324-G-T. GRCh37 (hg19) VCF-style: chr9-139397776-G-T.
Identifiers: ClinVar variation 3921041 (VCV003921041.1).
Genomic context (GRCh38, chr9:136,503,324, plus strand): 5'-ACTCTGGAAGCACTGCGAGGAGGCCTGCACACACTGCCGGTTGTCAATCTCCAGGTAGAC[G>T]ATGGAGCTGGGCGGACAATCAGAGAGGGGCTGGGACCCGAGGCTTCCTCCTCCCCCGCCC-3'
Protein context (NP_060087.3, residues 1665-1685): ELDPMDVRGS[Ile1675=]VYLEIDNRQC